The following is an entry in ClinVar:

ClinVar aggregate classification (germline): Uncertain significance (1 of 4 stars; one submission).

Conditions:
Generalized epilepsy with febrile seizures plus, type 7 (GEFSP7). Also called: GEFS+, TYPE 7. Identifiers: Orphanet 36387, MedGen C2751778, MONDO:0013470, OMIM 613863.
Neuropathy, hereditary sensory and autonomic, type 2A (HSAN2A). Also called: HSAN IIA; ACROOSTEOLYSIS, GIACCAI TYPE; ACROOSTEOLYSIS, NEUROGENIC; MORVAN DISEASE; NEUROPATHY, CONGENITAL SENSORY; NEUROPATHY, HEREDITARY SENSORY RADICULAR, AUTOSOMAL RECESSIVE. Identifiers: Orphanet 970, MedGen C2752089, MONDO:0024309, OMIM 201300.

gnomAD v4.1: 1 of 1,597,364 alleles (0.000063%); highest among the groups gnomAD compares: Non-Finnish European, 0.000085%; no homozygotes.

Submission:

Labcorp Genetics (formerly Invitae), Labcorp
Classification: Uncertain significance for Neuropathy, hereditary sensory and autonomic, type 2A; Generalized epilepsy with febrile seizures plus, type 7. Last evaluated: 2020-07-03. Review status: criteria provided, single submitter. Criteria: Invitae Variant Classification Sherloc (09022015). Collection method: clinical testing. Allele origin: germline.
Comment: This variant has not been reported in the literature in individuals with SCN9A-related conditions. This variant is not present in population databases (ExAC no frequency). This sequence change falls in intron 8 of the SCN9A gene. It does not directly change the encoded amino acid sequence of the SCN9A protein. In summary, the available evidence is currently insufficient to determine the role of this variant in disease. Therefore, it has been classified as a Variant of Uncertain Significance. Algorithms developed to predict the effect of sequence changes on RNA splicing suggest that this variant may disrupt the consensus splice site, but this prediction has not been confirmed by published transcriptional studies.

NM_001365536.1(SCN9A):c.966-9C>G

Genes: SCN9A (sodium voltage-gated channel alpha subunit 9; minus strand), SCN1A-AS1 (SCN1A and SCN9A antisense RNA 1; plus strand). Cytogenetic location: 2q24.3.
Variant type: single nucleotide variant.
Coding change: c.966-9C>G on transcript NM_001365536.1 (MANE Select); 9 bases into the intron before coding-DNA position 966, C replaced by G.
Molecular consequence: intron variant.
Genome position (GRCh38, 1-based): chr2:166,293,381, G>C on the plus strand (C>G on the coding strand, the complement: SCN9A is on the minus strand). VCF-style: chr2-166293381-G-C. GRCh37 (hg19) VCF-style: chr2-167149891-G-C.
Other names: c.966-9C>G (NM_002977.4).
Identifiers: ClinVar variation 1054889 (VCV001054889.9), dbSNP rs200890866, ClinGen allele CA2499215225.
Genomic context (GRCh38, chr2:166,293,381, plus strand): 5'-ATAATCAGGGTTTCTGCCAATTTTCACACAGGTGTACCCCTCTGGACACTGACTACACAC[G>C]AGAAAGAACATTATAGGTGAGAGTGTCTTCAGGACACAAGCTAAATAGCCTTACTGAAAA-3'